The following is an entry in ClinVar:

ClinVar aggregate classification (germline): Uncertain significance (1 of 4 stars; one submission).

Conditions:
Duchenne muscular dystrophy (DMD). Also called: Duchenne Muscular Dystrophy (DMD); MUSCULAR DYSTROPHY, PSEUDOHYPERTROPHIC PROGRESSIVE, DUCHENNE TYPE. Identifiers: Orphanet 98896, MedGen C0013264, MONDO:0010679, OMIM 310200.

gnomAD v4.1: 2 of 1,209,936 alleles (0.00017%); highest among the groups gnomAD compares: Non-Finnish European, 0.00022%; no homozygotes.

Submission:

Labcorp Genetics (formerly Invitae), Labcorp
Classification: Uncertain significance for Duchenne muscular dystrophy. Last evaluated: 2025-12-14. Review status: criteria provided, single submitter. Criteria: Invitae Variant Classification Sherloc (09022015). Collection method: clinical testing. Allele origin: germline.
Comment: This sequence change replaces serine, which is neutral and polar, with proline, which is neutral and non-polar, at codon 666 of the DMD protein (p.Ser666Pro). This variant is present in population databases (no rsID available, gnomAD 0.001%). This variant has not been reported in the literature in individuals affected with DMD-related conditions. ClinVar contains an entry for this variant (Variation ID: 3730098). Invitae Evidence Modeling of protein sequence and biophysical properties (such as structural, functional, and spatial information, amino acid conservation, physicochemical variation, residue mobility, and thermodynamic stability) indicates that this missense variant is not expected to disrupt DMD protein function with a negative predictive value of 95%. In summary, the available evidence is currently insufficient to determine the role of this variant in disease. Therefore, it has been classified as a Variant of Uncertain Significance.

NM_004006.3(DMD):c.1996T>C (p.Ser666Pro)

Gene: DMD (dystrophin; minus strand). Cytogenetic location: Xp21.1.
Variant type: single nucleotide variant.
Coding change: c.1996T>C on transcript NM_004006.3 (MANE Select); coding-DNA position 1996, T replaced by C.
Protein change: p.Ser666Pro; replaces serine 666 with proline.
Molecular consequence: missense variant.
Genome position (GRCh38, 1-based): chrX:32,545,331, A>G on the plus strand (T>C on the coding strand, the complement: DMD is on the minus strand). VCF-style: chrX-32545331-A-G. GRCh37 (hg19) VCF-style: chrX-32563448-A-G.
Other names: c.1972T>C, p.Ser658Pro (NM_000109.4); c.1984T>C, p.Ser662Pro (NM_004009.3); c.1627T>C, p.Ser543Pro (NM_004010.3); short protein forms S543P, S662P, S666P, S658P.
Identifiers: ClinVar variation 3730098 (VCV003730098.2).
Genomic context (GRCh38, chrX:32,545,331, plus strand): 5'-TTACTGTTTCCATTACAGTTGTCTGTGTTAGTGATGGCTGAGTGGTGGTGACAGCCTGTG[A>G]AATCTGTGAGAAGTATTGAAACAGAGGTCAGACATTGCTAGAAAGACTTCAGTAAAGACT-3'
Protein context (NP_003997.2, residues 656-676): QKLEKSTAQI[Ser666Pro]QAVTTTQPSL